The following is an entry in ClinVar:

ClinVar aggregate classification (germline): Uncertain significance (1 of 4 stars; one submission).

Conditions:
Haddad syndrome (OHD). Also called: Ondine-Hirschsprung disease. Identifiers: Orphanet 99803, MedGen C1859049, MONDO:0020493.

gnomAD v4.1: 3 of 1,268,398 alleles (0.00024%); highest among the groups gnomAD compares: Non-Finnish European, 0.0003%; no homozygotes.

Submission:

Labcorp Genetics (formerly Invitae), Labcorp
Classification: Uncertain significance for Haddad syndrome. Last evaluated: 2019-05-15. Review status: criteria provided, single submitter. Criteria: Invitae Variant Classification Sherloc (09022015). Collection method: clinical testing. Allele origin: germline.
Comment: In summary, the available evidence is currently insufficient to determine the role of this variant in disease. Therefore, it has been classified as a Variant of Uncertain Significance. This variant has not been reported in the literature in individuals with PHOX2B-related conditions. The frequency data for this variant in the population databases is considered unreliable, as metrics indicate insufficient coverage at this position in the ExAC database. This sequence change replaces lysine with arginine at codon 238 of the PHOX2B protein (p.Lys238Arg). The lysine residue is moderately conserved and there is a small physicochemical difference between lysine and arginine.

NM_003924.4(PHOX2B):c.713A>G (p.Lys238Arg)

Gene: PHOX2B (paired like homeobox 2B; minus strand). Cytogenetic location: 4p13.
Variant type: single nucleotide variant.
Coding change: c.713A>G on transcript NM_003924.4 (MANE Select); coding-DNA position 713, A replaced by G.
Protein change: p.Lys238Arg; replaces lysine 238 with arginine.
Molecular consequence: missense variant.
Genome position (GRCh38, 1-based): chr4:41,746,039, T>C on the plus strand (A>G on the coding strand, the complement: PHOX2B is on the minus strand). VCF-style: chr4-41746039-T-C. GRCh37 (hg19) VCF-style: chr4-41748056-T-C.
Other names: short protein forms K238R.
Identifiers: ClinVar variation 863410 (VCV000863410.9), dbSNP rs1733883244, ClinGen allele CA356737297.